The following is an entry in ClinVar:

NM_005529.7(HSPG2):c.3794-3C>A

Gene: HSPG2 (heparan sulfate proteoglycan 2; minus strand). Cytogenetic location: 1p36.12.
Variant type: single nucleotide variant.
Coding change: c.3794-3C>A on transcript NM_005529.7 (MANE Select); 3 bases into the intron before coding-DNA position 3794, C replaced by A.
Molecular consequence: intron variant.
Genome position (GRCh38, 1-based): chr1:21,873,094, G>T on the plus strand (C>A on the coding strand, the complement: HSPG2 is on the minus strand). VCF-style: chr1-21873094-G-T. GRCh37 (hg19) VCF-style: chr1-22199587-G-T.
Other names: c.3797-3C>A (NM_001291860.2).
Identifiers: ClinVar variation 295853 (VCV000295853.25), dbSNP rs141000672, ClinGen allele CA672494.

ClinVar aggregate classification (germline): Benign/Likely benign. Review status: criteria provided, multiple submitters, no conflicts (2 of 4 stars). 5 submissions from 4 submitters: Benign (4); Likely benign (1). Last evaluated 2026-01-26.

Conditions:
Lethal Kniest-like syndrome (DDSH). Also called: Dyssegmental Dysplasia. Identifiers: Orphanet 1865, MedGen C1857100, MONDO:0009140, OMIM 224410.
Schwartz-Jampel syndrome. Also called: Myotonic myopathy dwarfism chondrodystrophy and ocular and facial abnormalities. Identifiers: Orphanet 800, MedGen C0036391, MONDO:0009717.

Allele frequency attached by ClinVar (database versions not stated): gnomAD exomes 0.00040 and 0.00162; gnomAD 0.00065 and 0.00083; TOPMed 0.00126; ExAC 0.00154; 1000 Genomes Project 30x 0.00390; 1000 Genomes Project 0.00439.
gnomAD v4.1: 786 of 1,599,216 alleles (0.049%); highest among the groups gnomAD compares: East Asian, 1.4%; 9 homozygotes.

Submissions (11):

Labcorp Genetics (formerly Invitae), Labcorp
Classification: Benign. Last evaluated: 2026-01-26. Review status: criteria provided, single submitter. Criteria: Invitae Variant Classification Sherloc (09022015). Collection method: clinical testing. Allele origin: germline.

ARUP Laboratories, Molecular Genetics and Genomics, ARUP Laboratories
Classification: Likely benign. Last evaluated: 2023-11-03. Review status: criteria provided, single submitter. Criteria: ARUP Molecular Germline Variant Investigation Process 2024. Collection method: clinical testing. Allele origin: germline.

GeneDx
Classification: Benign. Last evaluated: 2019-03-01. Review status: criteria provided, single submitter. Criteria: GeneDx Variant Classification Process June 2021. Collection method: clinical testing. Allele origin: germline. Affected: yes.

Illumina Laboratory Services, Illumina
Classification: Benign for Schwartz-Jampel syndrome type 1. Last evaluated: 2018-01-13. Review status: criteria provided, single submitter. Criteria: ICSL Variant Classification Criteria 13 December 2019. Collection method: clinical testing. Allele origin: germline.
Comment: This variant was observed in the ICSL laboratory as part of a predisposition screen in an ostensibly healthy population. It had not been previously curated by ICSL or reported in the Human Gene Mutation Database (HGMD: prior to June 1st, 2018), and was therefore a candidate for classification through an automated scoring system. Utilizing variant allele frequency, disease prevalence and penetrance estimates, and inheritance mode, an automated score was calculated to assess if this variant is too frequent to cause the disease. Based on the score and internal cut-off values, a variant classified as benign is not then subjected to further curation. The score for this variant resulted in a classification of benign for this disease.

Illumina Laboratory Services, Illumina
Classification: Benign for Lethal Kniest-like syndrome. Last evaluated: 2018-01-13. Review status: criteria provided, single submitter. Criteria: ICSL Variant Classification Criteria 13 December 2019. Collection method: clinical testing. Allele origin: germline.
Comment: the same text as in the submission from Illumina Laboratory Services, Illumina above.

Dr. Peter K. Rogan Lab, Western University
No classification provided (evidence only). Condition: Familial cancer of breast. Review status: no classification provided. Collection method: in vitro. Allele origin: not applicable. Functional consequence: retained intron. Not counted in ClinVar's aggregate classification.

Dr. Peter K. Rogan Lab, Western University
No classification provided (evidence only). Condition: Gastric cancer. Review status: no classification provided. Collection method: in vitro. Allele origin: not applicable. Functional consequence: retained intron. Not counted in ClinVar's aggregate classification.

Dr. Peter K. Rogan Lab, Western University
No classification provided (evidence only). Condition: Malignant tumor of esophagus. Review status: no classification provided. Collection method: in vitro. Allele origin: not applicable. Functional consequence: retained intron. Not counted in ClinVar's aggregate classification.

Dr. Peter K. Rogan Lab, Western University
No classification provided (evidence only). Condition: Malignant tumor of esophagus. Review status: no classification provided. Collection method: in vitro. Allele origin: not applicable. Functional consequence: skipped exon, retained intron. Not counted in ClinVar's aggregate classification.

Dr. Peter K. Rogan Lab, Western University
No classification provided (evidence only). Condition: Malignant tumor of esophagus. Review status: no classification provided. Collection method: in vitro. Allele origin: not applicable. Functional consequence: retained intron. Not counted in ClinVar's aggregate classification.

Dr. Peter K. Rogan Lab, Western University
No classification provided (evidence only). Condition: Familial pancreatic carcinoma. Review status: no classification provided. Collection method: in vitro. Allele origin: not applicable. Functional consequence: retained intron. Not counted in ClinVar's aggregate classification.